The following is an entry in ClinVar:

ClinVar aggregate classification (germline): Uncertain significance (1 of 4 stars; one submission).

Submission:

Labcorp Genetics (formerly Invitae), Labcorp
Classification: Uncertain significance. Last evaluated: 2020-07-08. Review status: criteria provided, single submitter. Criteria: Invitae Variant Classification Sherloc (09022015). Collection method: clinical testing. Allele origin: germline.
Comment: This variant results in a copy number gain of the genomic region encompassing the full coding sequence of the SMARCB1 gene. The boundaries of this event are unknown as they extend beyond the assayed region for this gene and therefore may encompass additional genes. As the precise location of this event is unknown, it may be in tandem or it may be located elsewhere in the genome. This variant has not been reported in the literature in individuals with SMARCB1-related conditions. Experimental studies and prediction algorithms are not available or were not evaluated, and the functional significance of this variant is currently unknown. In summary, the available evidence is currently insufficient to determine the role of this variant in disease. Therefore, it has been classified as a Variant of Uncertain Significance.

NC_000022.11:g.(?_23787170)_(23834262_?)dup

Gene: SMARCB1 (SWI/SNF related BAF chromatin remodeling complex subunit B1; plus strand). Cytogenetic location: 22q11.23.
Variant type: Duplication.
Identifiers: ClinVar variation 830397 (VCV000830397.2).